The following is an entry in ClinVar:

NM_001330078.2(NRXN1):c.411G>T (p.Trp137Cys)

Gene: NRXN1 (neurexin 1; minus strand). Cytogenetic location: 2p16.3.
Variant type: single nucleotide variant.
Coding change: c.411G>T on transcript NM_001330078.2 (MANE Select); coding-DNA position 411, G replaced by T.
Protein change: p.Trp137Cys; replaces tryptophan 137 with cysteine.
Molecular consequence: missense variant.
Genome position (GRCh38, 1-based): chr2:51,027,863, C>A on the plus strand (G>T on the coding strand, the complement: NRXN1 is on the minus strand). VCF-style: chr2-51027863-C-A. GRCh37 (hg19) VCF-style: chr2-51255001-C-A.
Other names: c.411G>T, p.Trp137Cys (NM_001135659.3, NM_001330077.2, NM_001330079.2 and 15 more transcripts); short protein forms W137C.
Identifiers: ClinVar variation 2630848 (VCV002630848.1), dbSNP rs1452706977, ClinGen allele CA346824057.

ClinVar aggregate classification (germline): Uncertain significance (1 of 4 stars; one submission).

Conditions:
NRXN1-related disorder.

Allele frequency attached by ClinVar (database versions not stated): gnomAD exomes below 0.00001; TOPMed below 0.00001.
gnomAD v4.1: 2 of 1,613,046 alleles (0.00012%); highest among the groups gnomAD compares: Non-Finnish European, 0.00017%; no homozygotes.

Submission:

PreventionGenetics, part of Exact Sciences
Classification: Uncertain significance for NRXN1-related condition. Last evaluated: 2023-09-14. Review status: criteria provided, single submitter. Criteria: ACMG Guidelines, 2015. Collection method: clinical testing. Allele origin: germline.
Comment: The NRXN1 c.411G>T variant is predicted to result in the amino acid substitution p.Trp137Cys. To our knowledge, this variant has not been reported in the literature. This variant is reported in 0.00090% of alleles in individuals of European (Non-Finnish) descent in gnomAD. At this time, the clinical significance of this variant is uncertain due to the absence of conclusive functional and genetic evidence.